The following is an entry in ClinVar:

ClinVar aggregate classification (germline): Uncertain significance (1 of 4 stars; one submission).

Conditions:
Autosomal recessive mendelian susceptibility to mycobacterial diseases due to complete RORgamma receptor deficiency. Also called: Immunodeficiency 42. Identifiers: Orphanet 477857, MedGen C5567647, MONDO:0014710, OMIM 616622.

Allele frequency attached by ClinVar (database versions not stated): gnomAD 0.00001 and 0.00002; gnomAD exomes 0.00001 and 0.00002; TOPMed 0.00001; ExAC 0.00004.

Submission:

Labcorp Genetics (formerly Invitae), Labcorp
Classification: Uncertain significance for Autosomal recessive mendelian susceptibility to mycobacterial diseases due to complete RORgamma receptor deficiency. Last evaluated: 2022-07-05. Review status: criteria provided, single submitter. Criteria: Invitae Variant Classification Sherloc (09022015). Collection method: clinical testing. Allele origin: germline.
Comment: Algorithms developed to predict the effect of missense changes on protein structure and function (SIFT, PolyPhen-2, Align-GVGD) all suggest that this variant is likely to be tolerated. Algorithms developed to predict the effect of sequence changes on RNA splicing suggest that this variant may create or strengthen a splice site. In summary, the available evidence is currently insufficient to determine the role of this variant in disease. Therefore, it has been classified as a Variant of Uncertain Significance. ClinVar contains an entry for this variant (Variation ID: 642293). This sequence change replaces arginine, which is basic and polar, with cysteine, which is neutral and slightly polar, at codon 232 of the RORC protein (p.Arg232Cys). This variant is present in population databases (rs199550478, gnomAD 0.003%). This variant has not been reported in the literature in individuals affected with RORC-related conditions.

NM_005060.4(RORC):c.694C>T (p.Arg232Cys)

Gene: RORC (RAR related orphan receptor C; minus strand). Cytogenetic location: 1q21.3.
Variant type: single nucleotide variant.
Coding change: c.694C>T on transcript NM_005060.4 (MANE Select); coding-DNA position 694, C replaced by T.
Protein change: p.Arg232Cys; replaces arginine 232 with cysteine.
Molecular consequence: missense variant.
Genome position (GRCh38, 1-based): chr1:151,815,030, G>A on the plus strand (C>T on the coding strand, the complement: RORC is on the minus strand). VCF-style: chr1-151815030-G-A. GRCh37 (hg19) VCF-style: chr1-151787506-G-A.
Other names: c.631C>T, p.Arg211Cys (LRG_1322t2, NM_001001523.2); c.694C>T, p.Arg232Cys (LRG_1322t1); short protein forms R211C, R232C.
Identifiers: ClinVar variation 642293 (VCV000642293.7), dbSNP rs199550478, ClinGen allele CA1095873.